The following is an entry in ClinVar:

ClinVar aggregate classification (germline): Pathogenic (1 of 4 stars; one submission).

Submission:

Illumina Laboratory Services, Illumina
Classification: Pathogenic. Last evaluated: 2019-11-18. Review status: criteria provided, single submitter. Criteria: ICSL CNVClassificationCriteria Jul2020Prior. Collection method: clinical testing. Allele origin: unknown.
Comment: This CNV is an 11 kb deletion of 11q22.3, on chromosome 11, (seq[GRCh37]del(11)(q22.3); chr11:g.108233807_108245056del), which is inherited and constitutes a loss encompassing the last two exons of the ATM gene, exons 62 and 63, with the 3 prime end of the deletion extending distally. The 5 prime boundary of the deletion is likely to be in intron 61 of the ATM gene. Deletions including exon 63 of the ATM gene, in either a homozygous state, or compound heterozygous state with a second deletion or null variant, have been reported in at least five unrelated individuals with ataxia telangiectasia (Broeks et al. 1998; Telatar et al. 1998; Huang et al. 2013; Podralska et al. 2014). In addition, deletions encompassing exons 62 and 63 of the ATM gene have been observed in a heterozygous state in at least four individuals with breast or colon cancer (Susswein et al. 2015; Churpek et al. 2015). A 15 kb deletion encompassing the 11 kb deletion is reported at a frequency of 0.000321 in the African population of the Genome Aggregation Database. Based on the collective evidence, this CNV variant is classified as pathogenic.

Literature cited by the submitters: PubMed 23807571; PubMed 25428789; PubMed 25614872; PubMed 26681312; PubMed 9443866; PubMed 9792409.

GRCh37/hg19 11q22.3(chr11:108233807-108245056)x1

Gene: ATM (ATM serine/threonine kinase; plus strand). Cytogenetic location: 11q22.3.
Variant type: copy number loss.
Change: copy number 1 (one copy instead of two) of chr11:108,233,807-108,245,056 (11.2 kb, GRCh37 coordinates, 1-based), cytogenetic band 11q22.3.
Identifiers: ClinVar variation 1180523 (VCV001180523.4).